The following is an entry in ClinVar:

ClinVar aggregate classification (germline): Uncertain significance. Review status: criteria provided, multiple submitters, no conflicts (2 of 4 stars). 2 submissions from 2 submitters: Uncertain significance (2). Last evaluated 2023-02-07.

Allele frequency attached by ClinVar (database versions not stated): gnomAD exomes below 0.00001 and 0.00001; gnomAD 0.00001; TOPMed 0.00001.
gnomAD v4.1: 7 of 1,550,012 alleles (0.00045%); highest among the groups gnomAD compares: Admixed American, 0.002%; no homozygotes.

Submissions (2):

GeneDx
Classification: Uncertain significance. Last evaluated: 2023-02-07. Review status: criteria provided, single submitter. Criteria: GeneDx Variant Classification Process June 2021. Collection method: clinical testing. Allele origin: germline. Affected: yes.
Comment: Has not been previously published as pathogenic or benign to our knowledge; Not observed at significant frequency in large population cohorts (gnomAD); In silico analysis supports that this missense variant does not alter protein structure/function

Labcorp Genetics (formerly Invitae), Labcorp
Classification: Uncertain significance. Last evaluated: 2022-05-03. Review status: criteria provided, single submitter. Criteria: Invitae Variant Classification Sherloc (09022015). Collection method: clinical testing. Allele origin: germline.
Comment: This sequence change replaces proline, which is neutral and non-polar, with leucine, which is neutral and non-polar, at codon 3012 of the ZNF469 protein (p.Pro3012Leu). This variant is present in population databases (no rsID available, gnomAD 0.004%). This variant has not been reported in the literature in individuals affected with ZNF469-related conditions. ClinVar contains an entry for this variant (Variation ID: 1194202). Algorithms developed to predict the effect of missense changes on protein structure and function (SIFT, PolyPhen-2, Align-GVGD) all suggest that this variant is likely to be tolerated. In summary, the available evidence is currently insufficient to determine the role of this variant in disease. Therefore, it has been classified as a Variant of Uncertain Significance.

NM_001367624.2(ZNF469):c.9119C>T (p.Pro3040Leu)

Gene: ZNF469 (zinc finger protein 469; plus strand). Cytogenetic location: 16q24.2.
Variant type: single nucleotide variant.
Coding change: c.9119C>T on transcript NM_001367624.2 (MANE Select); coding-DNA position 9119, C replaced by T.
Protein change: p.Pro3040Leu; replaces proline 3040 with leucine.
Molecular consequence: missense variant.
Genome position (GRCh38, 1-based): chr16:88,436,589, C>T. VCF-style: chr16-88436589-C-T. GRCh37 (hg19) VCF-style: chr16-88502997-C-T.
Other names: NM_001127464.1:c.9035C>T; short protein forms P3040L.
Identifiers: ClinVar variation 1194202 (VCV001194202.5), dbSNP rs1299662359, ClinGen allele CA397120832.